The following is an entry in ClinVar:

NM_015352.2(POFUT1):c.601G>A (p.Val201Ile)

Gene: POFUT1 (protein O-fucosyltransferase 1; plus strand). Cytogenetic location: 20q11.21.
Variant type: single nucleotide variant.
Coding change: c.601G>A on transcript NM_015352.2 (MANE Select); coding-DNA position 601, G replaced by A.
Protein change: p.Val201Ile; replaces valine 201 with isoleucine.
Molecular consequence: missense variant.
Genome position (GRCh38, 1-based): chr20:32,228,321, G>A. VCF-style: chr20-32228321-G-A. GRCh37 (hg19) VCF-style: chr20-30816124-G-A.
Other names: short protein forms V201I.
Identifiers: ClinVar variation 4811045 (VCV004811045.1).

ClinVar aggregate classification (germline): Uncertain significance (1 of 4 stars; one submission).

Conditions:
Dowling-Degos disease 2 (DDD2). Identifiers: Orphanet 79145, MedGen C3809147, MONDO:0014130, OMIM 615327.

gnomAD v4.1: 104 of 1,613,888 alleles (0.0064%); highest among the groups gnomAD compares: Middle Eastern, 0.033%; no homozygotes.

Submission:

Labcorp Genetics (formerly Invitae), Labcorp
Classification: Uncertain significance for Dowling-Degos disease 2. Last evaluated: 2025-12-11. Review status: criteria provided, single submitter. Criteria: Invitae Variant Classification Sherloc (09022015). Collection method: clinical testing. Allele origin: germline.
Comment: This sequence change replaces valine, which is neutral and non-polar, with isoleucine, which is neutral and non-polar, at codon 201 of the POFUT1 protein (p.Val201Ile). This variant is present in population databases (rs189811657, gnomAD 0.01%). This variant has not been reported in the literature in individuals affected with POFUT1-related conditions. An algorithm developed to predict the effect of missense changes on protein structure and function outputs the following: PolyPhen-2: "Benign". The isoleucine amino acid residue is found in multiple mammalian species, which suggests that this missense change does not adversely affect protein function. In summary, the available evidence is currently insufficient to determine the role of this variant in disease. Therefore, it has been classified as a Variant of Uncertain Significance.